The following is an entry in ClinVar:

NM_000553.6(WRN):c.3386T>G (p.Ile1129Ser)

Gene: WRN (WRN RecQ like helicase; plus strand). Cytogenetic location: 8p12.
Variant type: single nucleotide variant.
Coding change: c.3386T>G on transcript NM_000553.6 (MANE Select); coding-DNA position 3386, T replaced by G.
Protein change: p.Ile1129Ser; replaces isoleucine 1129 with serine.
Molecular consequence: missense variant.
Genome position (GRCh38, 1-based): chr8:31,147,055, T>G. VCF-style: chr8-31147055-T-G. GRCh37 (hg19) VCF-style: chr8-31004571-T-G.
Other names: short protein forms I1129S.
Identifiers: ClinVar variation 1471312 (VCV001471312.8), dbSNP rs761932192, ClinGen allele CA370925139.

ClinVar aggregate classification (germline): Uncertain significance (1 of 4 stars; one submission).

Conditions:
Werner syndrome (WRN). Identifiers: Orphanet 902, MedGen C0043119, MONDO:0010196, OMIM 277700.

Submission:

Labcorp Genetics (formerly Invitae), Labcorp
Classification: Uncertain significance for Werner syndrome. Last evaluated: 2021-07-19. Review status: criteria provided, single submitter. Criteria: Invitae Variant Classification Sherloc (09022015). Collection method: clinical testing. Allele origin: germline.
Comment: In summary, the available evidence is currently insufficient to determine the role of this variant in disease. Therefore, it has been classified as a Variant of Uncertain Significance. Algorithms developed to predict the effect of sequence changes on RNA splicing suggest that this variant may create or strengthen a splice site. This sequence change replaces isoleucine with serine at codon 1129 of the WRN protein (p.Ile1129Ser). The isoleucine residue is weakly conserved and there is a large physicochemical difference between isoleucine and serine. This variant is not present in population databases (ExAC no frequency). This variant has not been reported in the literature in individuals affected with WRN-related conditions. Algorithms developed to predict the effect of missense changes on protein structure and function are either unavailable or do not agree on the potential impact of this missense change (SIFT: "Not Available"; PolyPhen-2: "Benign"; Align-GVGD: "Not Available").